The following is an entry in ClinVar:

ClinVar aggregate classification (germline): Uncertain significance (1 of 4 stars; one submission).

Allele frequency attached by ClinVar (database versions not stated): gnomAD 0.00001; gnomAD exomes below 0.00001; ExAC 0.00001; TOPMed 0.00002.
gnomAD v4.1: 19 of 1,613,926 alleles (0.0012%); highest among the groups gnomAD compares: East Asian, 0.02%; no homozygotes.

Submission:

Labcorp Genetics (formerly Invitae), Labcorp
Classification: Uncertain significance. Last evaluated: 2021-08-24. Review status: criteria provided, single submitter. Criteria: Invitae Variant Classification Sherloc (09022015). Collection method: clinical testing. Allele origin: germline.
Comment: This sequence change replaces serine with phenylalanine at codon 1381 of the TUBGCP6 protein (p.Ser1381Phe). The serine residue is weakly conserved and there is a large physicochemical difference between serine and phenylalanine. This variant is present in population databases (rs750035574, ExAC 0.01%). This variant has not been reported in the literature in individuals affected with TUBGCP6-related conditions. Algorithms developed to predict the effect of missense changes on protein structure and function are either unavailable or do not agree on the potential impact of this missense change (SIFT: "Tolerated"; PolyPhen-2: "Probably Damaging"; Align-GVGD: "Class C0"). In summary, the available evidence is currently insufficient to determine the role of this variant in disease. Therefore, it has been classified as a Variant of Uncertain Significance.

NM_020461.4(TUBGCP6):c.4142C>T (p.Ser1381Phe)

Gene: TUBGCP6 (tubulin gamma complex component 6; minus strand). Cytogenetic location: 22q13.33.
Variant type: single nucleotide variant.
Coding change: c.4142C>T on transcript NM_020461.4 (MANE Select); coding-DNA position 4142, C replaced by T.
Protein change: p.Ser1381Phe; replaces serine 1381 with phenylalanine.
Molecular consequence: missense variant.
Genome position (GRCh38, 1-based): chr22:50,219,982, G>A on the plus strand (C>T on the coding strand, the complement: TUBGCP6 is on the minus strand). VCF-style: chr22-50219982-G-A. GRCh37 (hg19) VCF-style: chr22-50658411-G-A.
Other names: short protein forms S1381F.
Identifiers: ClinVar variation 1059310 (VCV001059310.6), dbSNP rs750035574, ClinGen allele CA10307666.